The following is an entry in ClinVar:

NC_000008.10:g.(?_48689385)_(48732091_?)dup

Gene: PRKDC (protein kinase, DNA-activated, catalytic subunit; minus strand). Cytogenetic location: 8q11.21.
Variant type: Duplication.
Identifiers: ClinVar variation 1444235 (VCV001444235.5).

ClinVar aggregate classification (germline): Uncertain significance (1 of 4 stars; one submission).

Conditions:
Severe combined immunodeficiency due to DNA-PKcs deficiency. Also called: IMMUNODEFICIENCY 26 WITH NEUROLOGIC ABNORMALITIES; Immunodeficiency 26 with or without neurologic abnormalities. Identifiers: Orphanet 317425, MedGen C4014833, MONDO:0014423, OMIM 615966.

Submission:

Labcorp Genetics (formerly Invitae), Labcorp
Classification: Uncertain significance for Severe combined immunodeficiency due to DNA-PKcs deficiency. Last evaluated: 2022-02-02. Review status: criteria provided, single submitter. Criteria: Invitae Variant Classification Sherloc (09022015). Collection method: clinical testing. Allele origin: germline.
Comment: In summary, the available evidence is currently insufficient to determine the role of this variant in disease. Therefore, it has been classified as a Variant of Uncertain Significance. Experimental studies and prediction algorithms are not available or were not evaluated, and the functional significance of this variant is currently unknown. This variant has not been reported in the literature in individuals affected with PRKDC-related conditions. This variant results in a copy number gain of the genomic region encompassing exon(s) 67-85 of the PRKDC gene. While the exact position of this variant cannot be determined from the data, sub-genic copy number gains are generally in tandem (PMID: 25640679). This variant is predicted to be out-of-frame, and may result in an absent or disrupted protein product. However, the current clinical and genetic evidence is not sufficient to establish whether loss-of-function variants in PRKDC cause disease.

Literature cited by the submitters: PubMed 25640679.